The following is an entry in ClinVar:

NM_001365088.1(SLC12A6):c.337C>T (p.Arg113Ter)

Gene: SLC12A6 (solute carrier family 12 member 6; minus strand). Cytogenetic location: 15q14.
Variant type: single nucleotide variant.
Coding change: c.337C>T on transcript NM_001365088.1 (MANE Select); coding-DNA position 337, C replaced by T.
Protein change: p.Arg113Ter; replaces arginine 113 with a stop codon.
Molecular consequence: nonsense.
Genome position (GRCh38, 1-based): chr15:34,261,000, G>A on the plus strand (C>T on the coding strand, the complement: SLC12A6 is on the minus strand). VCF-style: chr15-34261000-G-A. GRCh37 (hg19) VCF-style: chr15-34553201-G-A.
Other names: c.160C>T, p.Arg54Ter (NM_001042494.2, NM_001042495.2); c.310C>T, p.Arg104Ter (NM_001042496.2); c.292C>T, p.Arg98Ter (NM_001042497.2); c.184C>T, p.Arg62Ter (NM_005135.2); c.337C>T, p.Arg113Ter (NM_133647.2); short protein forms R54*, R104*, R98*, R113*, R62*.
Identifiers: ClinVar variation 835797 (VCV000835797.11), dbSNP rs1054429141, ClinGen allele CA268643754.

ClinVar aggregate classification (germline): Pathogenic/Likely pathogenic. Review status: criteria provided, multiple submitters, no conflicts (2 of 4 stars). 3 submissions from 3 submitters: Pathogenic (1); Likely pathogenic (2). Last evaluated 2024-05-23.

Conditions:
Agenesis of the corpus callosum with peripheral neuropathy (ACCPN). Also called: CHARLEVOIX DISEASE; POLYNEUROPATHY, SENSORIMOTOR, WITH OR WITHOUT AGENESIS OF THE CORPUS CALLOSUM; HMSN/ACC; Hereditary Motor and Sensory Neuropathy with Agenesis of the Corpus Callosum. Identifiers: Orphanet 1496, MedGen C0795950, MONDO:0000902, OMIM 218000. Disease mechanism: loss of function.
Charcot-Marie-Tooth disease, axonal, IIa 2II. Also called: CHARCOT-MARIE-TOOTH NEUROPATHY, TYPE 2II; Charcot-Marie-Tooth disease, axonal, type 2II; Charcot-marie-tooth disease, axonal,IIa 2II. Identifiers: MedGen C5774227, MONDO:0031068, OMIM 620068.

Allele frequency attached by ClinVar (database versions not stated): gnomAD exomes below 0.00001.

Submissions (3):

Fulgent Genetics
Classification: Likely pathogenic for Agenesis of the corpus callosum with peripheral neuropathy; Charcot-Marie-Tooth disease, axonal, IIa 2II. Last evaluated: 2024-05-23. Review status: criteria provided, single submitter. Criteria: ACMG Guidelines, 2015. Collection method: clinical testing. Allele origin: germline.

Baylor Genetics
Classification: Likely pathogenic for Agenesis of the corpus callosum with peripheral neuropathy. Last evaluated: 2023-06-06. Review status: criteria provided, single submitter. Criteria: ACMG Guidelines, 2015. Collection method: clinical testing. Allele origin: unknown.

Labcorp Genetics (formerly Invitae), Labcorp
Classification: Pathogenic. Last evaluated: 2022-05-05. Review status: criteria provided, single submitter. Criteria: Invitae Variant Classification Sherloc (09022015). Collection method: clinical testing. Allele origin: germline.
Comment: For these reasons, this variant has been classified as Pathogenic. ClinVar contains an entry for this variant (Variation ID: 835797). This variant has not been reported in the literature in individuals affected with SLC12A6-related conditions. This variant is present in population databases (no rsID available, gnomAD 0.0009%). This sequence change creates a premature translational stop signal (p.Arg113*) in the SLC12A6 gene. It is expected to result in an absent or disrupted protein product. Loss-of-function variants in SLC12A6 are known to be pathogenic (PMID: 12368912, 16606917).

Literature cited by the submitters: PubMed 12368912 (cited by Labcorp Genetics (formerly Invitae), Labcorp); PubMed 16606917 (cited by Labcorp Genetics (formerly Invitae), Labcorp).